The following is an entry in ClinVar:

ClinVar aggregate classification (germline): Uncertain significance. Review status: criteria provided, multiple submitters, no conflicts (2 of 4 stars). 2 submissions from 2 submitters: Uncertain significance (2). Last evaluated 2025-09-23.

Conditions:
Charcot-Marie-Tooth disease axonal type 2P. Also called: Charcot-Marie-Tooth Neuropathy Type 2G; CHARCOT-MARIE-TOOTH NEUROPATHY, TYPE 2P; CHARCOT-MARIE-TOOTH DISEASE, AXONAL, TYPE 2G; CMT 2G. Identifiers: Orphanet 300319, Orphanet 99941, MedGen C3280797, MONDO:0013753, OMIM 614436.
Inborn genetic diseases. Identifiers: MedGen C0950123, MeSH D030342.

Allele frequency attached by ClinVar (database versions not stated): ESP Exome Variant Server 0.00008.
gnomAD v4.1: 19 of 1,614,228 alleles (0.0012%); highest among the groups gnomAD compares: Non-Finnish European, 0.0015%; no homozygotes.

Submissions (2):

Labcorp Genetics (formerly Invitae), Labcorp
Classification: Uncertain significance for Charcot-Marie-Tooth disease axonal type 2P. Last evaluated: 2025-09-23. Review status: criteria provided, single submitter. Criteria: Invitae Variant Classification Sherloc (09022015). Collection method: clinical testing. Allele origin: germline.
Comment: This sequence change replaces isoleucine, which is neutral and non-polar, with methionine, which is neutral and non-polar, at codon 228 of the LRSAM1 protein (p.Ile228Met). This variant is present in population databases (rs376671005, gnomAD 0.0009%). This variant has not been reported in the literature in individuals affected with LRSAM1-related conditions. ClinVar contains an entry for this variant (Variation ID: 1491109). Invitae Evidence Modeling of protein sequence and biophysical properties (such as structural, functional, and spatial information, amino acid conservation, physicochemical variation, residue mobility, and thermodynamic stability) indicates that this missense variant is not expected to disrupt LRSAM1 protein function with a negative predictive value of 80%. In summary, the available evidence is currently insufficient to determine the role of this variant in disease. Therefore, it has been classified as a Variant of Uncertain Significance.

Ambry Genetics
Classification: Uncertain significance for Inborn genetic diseases. Last evaluated: 2023-08-08. Review status: criteria provided, single submitter. Criteria: Ambry Variant Classification Scheme 2023. Collection method: clinical testing. Allele origin: germline.

NM_001005373.4(LRSAM1):c.684C>G (p.Ile228Met)

Gene: LRSAM1 (leucine rich repeat and sterile alpha motif containing 1; plus strand). Cytogenetic location: 9q33.3.
Variant type: single nucleotide variant.
Coding change: c.684C>G on transcript NM_001005373.4 (MANE Select); coding-DNA position 684, C replaced by G.
Protein change: p.Ile228Met; replaces isoleucine 228 with methionine.
Molecular consequence: missense variant. On other transcripts: 5 prime UTR variant (1), non-coding transcript variant (2).
Genome position (GRCh38, 1-based): chr9:127,473,865, C>G. VCF-style: chr9-127473865-C-G. GRCh37 (hg19) VCF-style: chr9-130236144-C-G.
Other names: c.684C>G (NM_138361.4); c.684C>G, p.Ile228Met (NM_001005374.4, NM_001190723.3, NM_001384142.1 and 2 more transcripts); c.-101C>G (NM_001384144.1); short protein forms I228M.
Identifiers: ClinVar variation 1491109 (VCV001491109.9), dbSNP rs376671005, ClinGen allele CA5246647.